The following is an entry in ClinVar:

ClinVar aggregate classification (germline): Pathogenic (1 of 4 stars; one submission).

Conditions:
EAST syndrome (SESAMES). Also called: SEIZURES, SENSORINEURAL DEAFNESS, ATAXIA, IMPAIRED INTELLECTUAL DEVELOPMENT, AND ELECTROLYTE IMBALANCE. Identifiers: Orphanet 199343, MedGen C2748572, MONDO:0013005, OMIM 612780.

Submission:

Labcorp Genetics (formerly Invitae), Labcorp
Classification: Pathogenic for EAST syndrome. Last evaluated: 2023-09-26. Review status: criteria provided, single submitter. Criteria: Invitae Variant Classification Sherloc (09022015). Collection method: clinical testing. Allele origin: germline.
Comment: This sequence change creates a premature translational stop signal (p.Trp79*) in the KCNJ10 gene. While this is not anticipated to result in nonsense mediated decay, it is expected to disrupt the last 301 amino acid(s) of the KCNJ10 protein. This variant is not present in population databases (gnomAD no frequency). This variant has not been reported in the literature in individuals affected with KCNJ10-related conditions. This variant disrupts a region of the KCNJ10 protein in which other variant(s) (p.Arg199*) have been determined to be pathogenic (PMID: 19289823, 20651251, 20678478, 20807765, 21088294, 23924083). This suggests that this is a clinically significant region of the protein, and that variants that disrupt it are likely to be disease-causing. For these reasons, this variant has been classified as Pathogenic.

Literature cited by the submitters: PubMed 19289823; PubMed 20651251; PubMed 20678478; PubMed 20807765; PubMed 21088294; PubMed 23924083.

NM_002241.5(KCNJ10):c.236G>A (p.Trp79Ter)

Gene: KCNJ10 (potassium inwardly rectifying channel subfamily J member 10; minus strand). Cytogenetic location: 1q23.2.
Variant type: single nucleotide variant.
Coding change: c.236G>A on transcript NM_002241.5 (MANE Select); coding-DNA position 236, G replaced by A.
Protein change: p.Trp79Ter; replaces tryptophan 79 with a stop codon.
Molecular consequence: nonsense.
Genome position (GRCh38, 1-based): chr1:160,042,297, C>T on the plus strand (G>A on the coding strand, the complement: KCNJ10 is on the minus strand). VCF-style: chr1-160042297-C-T. GRCh37 (hg19) VCF-style: chr1-160012087-C-T.
Other names: short protein forms W79*.
Identifiers: ClinVar variation 2898358 (VCV002898358.3), dbSNP rs2525430986, ClinGen allele CA343229348.